The following is an entry in ClinVar:

NC_000023.11:g.(31496945_31507280)_(31507454_31627672)del

Gene: DMD (dystrophin; minus strand). Cytogenetic location: Xp21.1.
Variant type: Deletion.
Identifiers: ClinVar variation 981992 (VCV000981992.1).

ClinVar aggregate classification (germline): Pathogenic (1 of 4 stars; one submission).

Conditions:
Neuromuscular disease caused by qualitative or quantitative defects of dystrophin. Also called: Qualitative or quantitative defects of dystrophin. Identifiers: Orphanet 207085, MedGen C5679787, MONDO:0016147.

Submission:

Women's Health and Genetics/Laboratory Corporation of America, LabCorp
Classification: Pathogenic for Dystrophinopathies. Last evaluated: 2020-04-09. Review status: criteria provided, single submitter. Criteria: LabCorp Variant Classification Summary - May 2015. Collection method: clinical testing. Allele origin: germline.
Comment: Variant summary: The variant identified by MLPA or other technology involves the deletion of exon 56 in the DMD gene. A presumed nomenclature of c.(8217+1_8218-1)_(8390+1_8391-1)del has been designated for the purposes of this classification. Although exact breakpoints of this deletion are not known, it is expected to result in a frameshift deletion change in the DMD gene, a known mechanism of disease. The variant was absent in approximately 16000 control chromosomes (gnomAD, Structural Variants dataset). The variant has been reported in the literature in multiple individuals affected with Dystrophinopathies (White_2002, Buzin_2005, Prior_2005, del Gaudio_2008, Hegde_2008, Daoud_2009). These data indicate that the variant is likely to be associated with disease. To our knowledge, no experimental evidence demonstrating an impact on protein function has been reported. No clinical diagnostic laboratories have submitted clinical-significance assessments for this variant to ClinVar after 2014. Based on the evidence outlined above, the variant was classified as pathogenic.

Literature cited by the submitters: PubMed 18752307; PubMed 15643612; PubMed 19602481; PubMed 18663755; PubMed 16049303; PubMed 12111668.